The following is an entry in ClinVar:

NM_001329943.3(KIAA0586):c.199+6T>A

Gene: KIAA0586 (KIAA0586; plus strand). Cytogenetic location: 14q23.1.
Variant type: single nucleotide variant.
Coding change: c.199+6T>A on transcript NM_001329943.3 (MANE Select); 6 bases into the intron after coding-DNA position 199, T replaced by A.
Molecular consequence: intron variant.
Genome position (GRCh38, 1-based): chr14:58,428,469, T>A. VCF-style: chr14-58428469-T-A. GRCh37 (hg19) VCF-style: chr14-58895187-T-A.
Other names: c.235+6T>A (NM_001244189.2); c.154+6T>A (NM_001244190.2); c.-57+832T>A (NM_001244192.2, NM_001244191.2); c.199+6T>A (NM_001329944.2, NM_001329946.2, NM_001329947.2 and 1 more transcripts); c.-57+656T>A (NM_001364701.2, NM_001329945.2, NM_001364700.1).
Identifiers: ClinVar variation 450740 (VCV000450740.7), dbSNP rs764690540, ClinGen allele CA7205284.

ClinVar aggregate classification (germline): Uncertain significance. Review status: criteria provided, multiple submitters, no conflicts (2 of 4 stars). 2 submissions from 2 submitters: Uncertain significance (2). Last evaluated 2024-09-09.

Conditions:
Short-rib thoracic dysplasia 14 with polydactyly (SRTD14). Identifiers: Orphanet 397715, MedGen C4225286, MONDO:0014688, OMIM 616546.
Joubert syndrome 23 (JBTS23). Identifiers: Orphanet 475, MedGen C4084822, MONDO:0014664, OMIM 616490.

Allele frequency attached by ClinVar (database versions not stated): TOPMed 0.00001; gnomAD 0.00001; ExAC 0.00003; gnomAD exomes 0.00003.
gnomAD v4.1: 57 of 1,591,964 alleles (0.0036%); highest among the groups gnomAD compares: Middle Eastern, 0.033%; no homozygotes.

Submissions (2):

Labcorp Genetics (formerly Invitae), Labcorp
Classification: Uncertain significance for Joubert syndrome 23; Short-rib thoracic dysplasia 14 with polydactyly. Last evaluated: 2024-09-09. Review status: criteria provided, single submitter. Criteria: Invitae Variant Classification Sherloc (09022015). Collection method: clinical testing. Allele origin: germline.
Comment: This sequence change falls in intron 2 of the KIAA0586 gene. It does not directly change the encoded amino acid sequence of the KIAA0586 protein. It affects a nucleotide within the consensus splice site. This variant is present in population databases (rs764690540, gnomAD 0.006%). This variant has not been reported in the literature in individuals affected with KIAA0586-related conditions. ClinVar contains an entry for this variant (Variation ID: 450740). Variants that disrupt the consensus splice site are a relatively common cause of aberrant splicing (PMID: 17576681, 9536098). Algorithms developed to predict the effect of sequence changes on RNA splicing suggest that this variant may disrupt the consensus splice site. In summary, the available evidence is currently insufficient to determine the role of this variant in disease. Therefore, it has been classified as a Variant of Uncertain Significance.

GeneDx
Classification: Uncertain significance. Last evaluated: 2023-01-17. Review status: criteria provided, single submitter. Criteria: GeneDx Variant Classification Process June 2021. Collection method: clinical testing. Allele origin: germline. Affected: yes.
Comment: Has not been previously published as pathogenic or benign to our knowledge; In silico analysis is inconclusive as to whether the variant alters gene splicing. In the absence of RNA/functional studies, the actual effect of this sequence change is unknown.

Literature cited by the submitters: PubMed 17576681 (cited by Labcorp Genetics (formerly Invitae), Labcorp); PubMed 9536098 (cited by Labcorp Genetics (formerly Invitae), Labcorp).